The following is an entry in ClinVar:

ClinVar aggregate classification (germline): Likely benign. Review status: criteria provided, multiple submitters, no conflicts (2 of 4 stars). 8 submissions from 8 submitters: Likely benign (7). 1 of the submissions does not count toward it. Last evaluated 2025-10-25.

Conditions:
Hereditary cancer-predisposing syndrome. Also called: Neoplastic Syndromes, Hereditary; Hereditary Cancer Syndrome; Tumor predisposition; Hereditary neoplastic syndrome. Identifiers: Orphanet 140162, MedGen C0027672, MeSH D009386, MONDO:0015356.
Peutz-Jeghers syndrome (PJS). Also called: POLYPOSIS, HAMARTOMATOUS INTESTINAL; POLYPS-AND-SPOTS SYNDROME; Peutz-Jeghers polyposis; Periorificial lentiginosis syndrome. Identifiers: Orphanet 2869, MedGen C0031269, MeSH D010580, MONDO:0008280, OMIM 175200.

Allele frequency attached by ClinVar (database versions not stated): gnomAD 0.00001; gnomAD exomes 0.00002; TOPMed 0.00002; ExAC 0.00003; ESP Exome Variant Server 0.00008.
gnomAD v4.1: 30 of 1,610,202 alleles (0.0019%); highest among the groups gnomAD compares: Non-Finnish European, 0.0025%; no homozygotes.

Submissions (8):

Labcorp Genetics (formerly Invitae), Labcorp
Classification: Likely benign for Peutz-Jeghers syndrome. Last evaluated: 2025-10-25. Review status: criteria provided, single submitter. Criteria: Invitae Variant Classification Sherloc (09022015). Collection method: clinical testing. Allele origin: germline.

Blueprint Genetics
Classification: Likely benign. Last evaluated: 2024-07-16. Review status: criteria provided, single submitter. Criteria: ACMG Guidelines, 2015. Collection method: clinical testing. Allele origin: germline.

All of Us Research Program, National Institutes of Health
Classification: Likely benign for Peutz-Jeghers syndrome. Last evaluated: 2024-05-09. Review status: criteria provided, single submitter. Criteria: ACMG Guidelines, 2015. Collection method: clinical testing. Allele origin: germline. Inheritance: Autosomal dominant inheritance. Observed: 6 variant alleles, 6 heterozygotes.
Comment: This study involves interpretation of variants in research participants for the purpose of population health screening. Participant phenotype was not available at the time of variant classification. Additional details can be found in publication PMID: 35346344, PMCID: PMC8962531

Women's Health and Genetics/Laboratory Corporation of America, LabCorp
Classification: Likely benign. Last evaluated: 2022-05-02. Review status: criteria provided, single submitter. Criteria: LabCorp Variant Classification Summary - May 2015. Collection method: clinical testing. Allele origin: germline.
Comment: Variant summary: STK11 c.1107C>T (p.Pro369Pro) alters a conserved nucleotide located close to a canonical splice site and therefore could affect mRNA splicing, leading to a significantly altered protein sequence. 4/4 computational tools predict no significant impact on normal splicing. However, these predictions have yet to be confirmed by functional studies. The variant allele was found at a frequency of 2.3e-05 in 266262 control chromosomes. The available data on variant occurrences in the general population are insufficient to allow any conclusion about variant significance. To our knowledge, no occurrence of c.1107C>T in individuals affected with Peutz-Jeghers Syndrome and no experimental evidence demonstrating its impact on protein function have been reported. Four clinical diagnostic laboratories have submitted clinical-significance assessments for this variant to ClinVar after 2014 without evidence for independent evaluation. All laboratories classified the variant as likely benign. Based on the evidence outlined above, the variant was classified as likely benign.

Ambry Genetics
Classification: Likely benign for Hereditary cancer-predisposing syndrome. Last evaluated: 2020-08-24. Review status: criteria provided, single submitter. Criteria: Ambry Variant Classification Scheme 2023. Collection method: clinical testing. Allele origin: germline.

Color Diagnostics, LLC DBA Color Health
Classification: Likely benign for Hereditary cancer-predisposing syndrome. Last evaluated: 2017-06-08. Review status: criteria provided, single submitter. Criteria: ACMG Guidelines, 2015. Collection method: clinical testing. Allele origin: germline.

GeneDx
Classification: Likely benign. Last evaluated: 2017-03-15. Review status: criteria provided, single submitter. Criteria: GeneDx Variant Classification (06012015). Collection method: clinical testing. Allele origin: germline. Affected: yes.
Comment: This variant is considered likely benign or benign based on one or more of the following criteria: it is a conservative change, it occurs at a poorly conserved position in the protein, it is predicted to be benign by multiple in silico algorithms, and/or has population frequency not consistent with disease.

Department of Pathology and Laboratory Medicine, Sinai Health System
Classification: Likely benign. Review status: no assertion criteria provided. Collection method: clinical testing. Allele origin: unknown. Affected: yes. Study: The Canadian Open Genetics Repository (COGR). Not counted in ClinVar's aggregate classification.
Comment: The STK11 p.Pro369= variant was identified in the literature where it was not identified in 14102 Japanese patients affected with breast cancer, but was found in 1 of 22482 control chromosomes from healthy individuals (Momozawa 2018). The variant was also identified in dbSNP (ID: rs376069854) as â€šÃ„ÃºWith other alleleâ€šÃ„Ã¹, ClinVar (classified as likely benign by Color, GeneDx, and Invitae; and as uncertain significance by Ambry Genetics), and LOVD 3.0 (as uncertain significance). The variant was identified in control databases in 6 of 270132 chromosomes at a frequency of 0.00002 (Genome Aggregation Database Feb 27, 2017). The variant was observed in the following populations: African in 1 of 23282 chromosomes (freq: 0.00004) and European (Non-Finnish) in 5 of 123552 chromosomes (freq: 0.00004), while it was not observed in the Other, Latino, Ashkenazi Jewish, East Asian, European (Finnish), or South Asian populations. The p.Pro369= variant is not expected to have clinical significance because it does not result in a change of amino acid and is not located in a known consensus splice site. In addition, in silico or computational prediction software programs (SpliceSiteFinder, MaxEntScan, NNSPLICE, GeneSplicer) do not predict a difference in splicing. In summary, based on the above information, the clinical significance of this variant cannot be determined with certainty at this time although we would lean towards a more benign role for this variant. This variant is classified as likely benign.

Literature cited by the submitters: PubMed 30287823 (cited by Women's Health and Genetics/Laboratory Corporation of America, LabCorp).

NM_000455.5(STK11):c.1107C>T (p.Pro369=)

Genes: STK11 (serine/threonine kinase 11; plus strand), LOC130062899 (ATAC-STARR-seq lymphoblastoid active region 13597; plus strand). Cytogenetic location: 19p13.3.
Variant type: single nucleotide variant.
Coding change: c.1107C>T on transcript NM_000455.5 (MANE Select); coding-DNA position 1107, C replaced by T.
Protein change: p.Pro369=; no amino-acid change (proline 369 retained).
Molecular consequence: synonymous variant.
Genome position (GRCh38, 1-based): chr19:1,223,171, C>T. VCF-style: chr19-1223171-C-T. GRCh37 (hg19) VCF-style: chr19-1223170-C-T.
Identifiers: ClinVar variation 237786 (VCV000237786.23), dbSNP rs376069854, ClinGen allele CA045214.